The following is an entry in ClinVar:

ClinVar aggregate classification (germline): Uncertain significance (1 of 4 stars; one submission).

Conditions:
Inborn genetic diseases. Identifiers: MedGen C0950123, MeSH D030342.

Submission:

Ambry Genetics
Classification: Uncertain significance for Inborn genetic diseases. Last evaluated: 2025-05-27. Review status: criteria provided, single submitter. Criteria: Ambry Variant Classification Scheme 2023. Collection method: clinical testing. Allele origin: germline.
Comment: The p.Y398H variant (also known as c.1192T>C), located in coding exon 9 of the BUB1B gene, results from a T to C substitution at nucleotide position 1192. The tyrosine at codon 398 is replaced by histidine, an amino acid with similar properties. This amino acid position is conserved. In addition, the in silico prediction for this alteration is inconclusive. Based on the available evidence, the clinical significance of this variant remains unclear.

NM_001211.6(BUB1B):c.1192T>C (p.Tyr398His)

Gene: BUB1B (BUB1 mitotic checkpoint serine/threonine kinase B; plus strand). Cytogenetic location: 15q15.1.
Variant type: single nucleotide variant.
Coding change: c.1192T>C on transcript NM_001211.6 (MANE Select); coding-DNA position 1192, T replaced by C.
Protein change: p.Tyr398His; replaces tyrosine 398 with histidine.
Molecular consequence: missense variant.
Genome position (GRCh38, 1-based): chr15:40,196,678, T>C. VCF-style: chr15-40196678-T-C. GRCh37 (hg19) VCF-style: chr15-40488879-T-C.
Other names: short protein forms Y398H.
Identifiers: ClinVar variation 3993735 (VCV003993735.1).
Genomic context (GRCh38, chr15:40,196,678, plus strand): 5'-CCTCTACAAAGGGTTCAGAGCCATCAGCAAGCGTCTGAGGAGAAGAAAGAGAAGATGATG[T>C]ATTGTAAGGAGAAGATTTATGCAGGAGTAGGGGAATTCTCCTTTGAAGAAATTCGGGCTG-3'
Protein context (NP_001202.5, residues 388-408): ASEEKKEKMM[Tyr398His]CKEKIYAGVG